The following is an entry in ClinVar:

ClinVar aggregate classification (germline): Benign/Likely benign. Review status: criteria provided, multiple submitters, no conflicts (2 of 4 stars). 3 submissions from 3 submitters: Benign (2); Likely benign (1). Last evaluated 2025-10-21.

Conditions:
Primary ciliary dyskinesia. Also called: Ciliary dyskinesia. Identifiers: Orphanet 244, MedGen C0008780, MONDO:0016575, HP:0012265.

Allele frequency attached by ClinVar (database versions not stated): TOPMed 0.00003; 1000 Genomes Project 30x 0.00016; ExAC 0.00085; gnomAD 0.00090 and 0.00096; gnomAD exomes 0.00107.

Submissions (3):

Labcorp Genetics (formerly Invitae), Labcorp
Classification: Benign for Primary ciliary dyskinesia. Last evaluated: 2025-10-21. Review status: criteria provided, single submitter. Criteria: Invitae Variant Classification Sherloc (09022015). Collection method: clinical testing. Allele origin: germline.

Blueprint Genetics
Classification: Likely benign. Last evaluated: 2024-10-09. Review status: criteria provided, single submitter. Criteria: ACMG Guidelines, 2015. Collection method: clinical testing. Allele origin: germline.

Laboratory for Molecular Medicine, Mass General Brigham Personalized Medicine
Classification: Benign. Last evaluated: 2017-11-02. Review status: criteria provided, single submitter. Criteria: LMM Criteria. Collection method: clinical testing. Allele origin: germline. Observed: 1 variant allele.
Comment: p.Val359Val in exon 1 of DNAAF2: This variant is not expected to have clinical s ignificance because it does not alter an amino acid residue and is not located w ithin the splice consensus sequence. It has been identified in 1.1% (172/15154) of Finnish chromosomes including 1 homozygote by the Genome Aggregation Database (gnomAD; dbSNP rs765764624). ACMG/AMP Criteri a applied: BA1, BP4, BP7.

NM_018139.3(DNAAF2):c.1077C>G (p.Val359=)

Genes: DNAAF2 (dynein axonemal assembly factor 2; minus strand), LOC130055542 (ATAC-STARR-seq lymphoblastoid silent region 5699; plus strand). Cytogenetic location: 14q21.3.
Variant type: single nucleotide variant.
Coding change: c.1077C>G on transcript NM_018139.3 (MANE Select); coding-DNA position 1077, C replaced by G.
Protein change: p.Val359=; no amino-acid change (valine 359 retained).
Molecular consequence: synonymous variant.
Genome position (GRCh38, 1-based): chr14:49,634,073, G>C on the plus strand (C>G on the coding strand, the complement: DNAAF2 is on the minus strand). VCF-style: chr14-49634073-G-C. GRCh37 (hg19) VCF-style: chr14-50100791-G-C.
Other names: c.1077C>G, p.Val359= (NM_001083908.2).
Identifiers: ClinVar variation 517620 (VCV000517620.8), dbSNP rs765764624, ClinGen allele CA7172966.